The following is an entry in ClinVar:

NM_005045.4(RELN):c.1505G>C (p.Gly502Ala)

Gene: RELN (reelin; minus strand). Cytogenetic location: 7q22.1.
Variant type: single nucleotide variant.
Coding change: c.1505G>C on transcript NM_005045.4 (MANE Select); coding-DNA position 1505, G replaced by C.
Protein change: p.Gly502Ala; replaces glycine 502 with alanine.
Molecular consequence: missense variant.
Genome position (GRCh38, 1-based): chr7:103,654,142, C>G on the plus strand (G>C on the coding strand, the complement: RELN is on the minus strand). VCF-style: chr7-103654142-C-G. GRCh37 (hg19) VCF-style: chr7-103294589-C-G.
Other names: c.1505G>C, p.Gly502Ala (NM_173054.3); short protein forms G502A.
Identifiers: ClinVar variation 861641 (VCV000861641.11), dbSNP rs1382483563, ClinGen allele CA368766815.
Genomic context (GRCh38, chr7:103,654,142, plus strand): 5'-GGCATGTGTACCTTATATGAGGAATAGGAAAGGGTATCCAGTGTTATATGCTCTTTTCTT[C>G]CTTCAATTTTTGCATACAGGATTATGTCATTTTCATGAGAATTTCCAGGGTCACAAATTC-3'
Protein context (NP_005036.2, residues 492-512): NDIILYAKIE[Gly502Ala]RKEHITLDTL

ClinVar aggregate classification (germline): Uncertain significance. Review status: criteria provided, multiple submitters, no conflicts (2 of 4 stars). 2 submissions from 2 submitters: Uncertain significance (2). Last evaluated 2024-04-11.

Conditions:
Norman-Roberts syndrome (LIS2). Also called: Lissencephaly 2 (Norman-Roberts type). Identifiers: Orphanet 89844, MedGen C0796089, MONDO:0009760, OMIM 257320.
Familial temporal lobe epilepsy 7. Identifiers: Orphanet 101046, MedGen C4225327, MONDO:0014639, OMIM 616436.

Submissions (2):

Labcorp Genetics (formerly Invitae), Labcorp
Classification: Uncertain significance for Familial temporal lobe epilepsy 7; Norman-Roberts syndrome. Last evaluated: 2024-04-11. Review status: criteria provided, single submitter. Criteria: Invitae Variant Classification Sherloc (09022015). Collection method: clinical testing. Allele origin: germline.
Comment: This sequence change replaces glycine, which is neutral and non-polar, with alanine, which is neutral and non-polar, at codon 502 of the RELN protein (p.Gly502Ala). This variant is not present in population databases (gnomAD no frequency). This variant has not been reported in the literature in individuals affected with RELN-related conditions. ClinVar contains an entry for this variant (Variation ID: 861641). Advanced modeling of protein sequence and biophysical properties (such as structural, functional, and spatial information, amino acid conservation, physicochemical variation, residue mobility, and thermodynamic stability) performed at Invitae indicates that this missense variant is not expected to disrupt RELN protein function with a negative predictive value of 80%. In summary, the available evidence is currently insufficient to determine the role of this variant in disease. Therefore, it has been classified as a Variant of Uncertain Significance.

Revvity Omics, Revvity
Classification: Uncertain significance for Norman-Roberts syndrome. Last evaluated: 2023-03-01. Review status: criteria provided, single submitter. Criteria: ACMG Guidelines, 2015. Collection method: clinical testing. Allele origin: germline.